The following is an entry in ClinVar:

NM_002968.3(SALL1):c.1279A>T (p.Lys427Ter)

Gene: SALL1 (spalt like transcription factor 1; minus strand). Cytogenetic location: 16q12.1.
Variant type: single nucleotide variant.
Coding change: c.1279A>T on transcript NM_002968.3 (MANE Select); coding-DNA position 1279, A replaced by T.
Protein change: p.Lys427Ter; replaces lysine 427 with a stop codon.
Molecular consequence: nonsense.
Genome position (GRCh38, 1-based): chr16:51,140,943, T>A on the plus strand (A>T on the coding strand, the complement: SALL1 is on the minus strand). VCF-style: chr16-51140943-T-A. GRCh37 (hg19) VCF-style: chr16-51174854-T-A.
Other names: c.988A>T, p.Lys330Ter (NM_001127892.2); short protein forms K330*, K427*.
Identifiers: ClinVar variation 4526947 (VCV004526947.1).
Genomic context (GRCh38, chr16:51,140,943, plus strand): 5'-AGAATGCCTCATCGGAAGTACTTTTCGCTTCAAAGGCAGTGACATTTGGTGGCTTGCTTT[T>A]TCTTTGCTGGGCCAAGGCAGACAAGGAGTTTAAATCCTCTGCAGTTGTTCCGATGTTGGG-3'

ClinVar aggregate classification (germline): Pathogenic (1 of 4 stars; one submission).

Submission:

GeneDx
Classification: Pathogenic. Last evaluated: 2025-04-23. Review status: criteria provided, single submitter. Criteria: GeneDx Variant Classification Process June 2021. Collection method: clinical testing. Allele origin: germline. Affected: yes.
Comment: Nonsense variant predicted to result in protein truncation or nonsense mediated decay in a gene for which loss of function is a known mechanism of disease; Not observed at significant frequency in large population cohorts (gnomAD); Has not been previously published as pathogenic or benign to our knowledge